The following is an entry in ClinVar:

ClinVar aggregate classification (germline): Uncertain significance (0 of 4 stars; one submission).

Conditions:
CAVIN4-related disorder. Also called: CAVIN4-related condition.

gnomAD v4.1: 34 of 1,612,976 alleles (0.0021%); highest among the groups gnomAD compares: Admixed American, 0.0067%; no homozygotes.

Submission:

PreventionGenetics, part of Exact Sciences
Classification: Uncertain significance for CAVIN4-related condition. Last evaluated: 2024-07-17. Review status: no assertion criteria provided. Collection method: clinical testing. Allele origin: germline.
Comment: The CAVIN4 c.394G>A variant is predicted to result in the amino acid substitution p.Val132Met. To our knowledge, this variant has not been reported in the literature. This variant is reported in 0.0085% of alleles in individuals of Latino descent in gnomAD. At this time, the clinical significance of this variant is uncertain due to the absence of conclusive functional and genetic evidence.

NM_001018116.2(CAVIN4):c.394G>A (p.Val132Met)

Gene: CAVIN4 (caveolae associated protein 4; plus strand). Cytogenetic location: 9q31.1.
Variant type: single nucleotide variant.
Coding change: c.394G>A on transcript NM_001018116.2 (MANE Select); coding-DNA position 394, G replaced by A.
Protein change: p.Val132Met; replaces valine 132 with methionine.
Molecular consequence: missense variant.
Genome position (GRCh38, 1-based): chr9:100,578,537, G>A. VCF-style: chr9-100578537-G-A. GRCh37 (hg19) VCF-style: chr9-103340819-G-A.
Other names: short protein forms V132M.
Identifiers: ClinVar variation 3351850 (VCV003351850.1).
Genomic context (GRCh38, chr9:100,578,537, plus strand): 5'-ATTCATGTTAAAAAAGTTGAAGTCAAGCAAGAGGAAATAATGAAGAAAAACAAATTCCGC[G>A]TGGTAATATTCCAGGTAAGCTTGCACTTGTGTTCAGCTTGCTTGTTCTAATCTCTTGCAT-3'
Protein context (NP_001018126.1, residues 122-142): EEIMKKNKFR[Val132Met]VIFQEKFRCP